The following is an entry in ClinVar:

ClinVar aggregate classification (germline): Uncertain significance (1 of 4 stars; one submission).

Conditions:
Inborn genetic diseases. Identifiers: MedGen C0950123, MeSH D030342.

Submission:

Ambry Genetics
Classification: Uncertain significance for Inborn genetic diseases. Last evaluated: 2026-02-10. Review status: criteria provided, single submitter. Criteria: Ambry Variant Classification Scheme 2023. Collection method: clinical testing. Allele origin: germline.
Comment: The c.653T>C (p.L218P) alteration is located in exon 7 (coding exon 7) of the CNOT9 gene. This alteration results from a T to C substitution at nucleotide position 653, causing the leucine (L) at amino acid position 218 to be replaced by a proline (P). This variant was not reported in population-based cohorts in the Genome Aggregation Database (gnomAD). This amino acid position is highly conserved in available vertebrate species. This missense variant is located in a region that has a low rate of benign missense variation (Lek, 2016; Firth, 2009). This alteration is predicted to be deleterious by in silico analysis. Based on insufficient or conflicting evidence, the clinical significance of this alteration remains unclear.

NM_005444.3(CNOT9):c.653T>C (p.Leu218Pro)

Gene: CNOT9 (CCR4-NOT transcription complex subunit 9; plus strand). Cytogenetic location: 2q35.
Variant type: single nucleotide variant.
Coding change: c.653T>C on transcript NM_005444.3 (MANE Select); coding-DNA position 653, T replaced by C.
Protein change: p.Leu218Pro; replaces leucine 218 with proline.
Molecular consequence: missense variant. On other transcripts: non-coding transcript variant (1).
Genome position (GRCh38, 1-based): chr2:218,592,629, T>C. VCF-style: chr2-218592629-T-C. GRCh37 (hg19) VCF-style: chr2-219457352-T-C.
Other names: c.749T>C, p.Leu250Pro (NM_001271634.2); c.653T>C, p.Leu218Pro (NM_001271635.2); short protein forms L250P, L218P.
Identifiers: ClinVar variation 4839561 (VCV004839561.1).